The following is an entry in ClinVar:

ClinVar aggregate classification (germline): Pathogenic (1 of 4 stars; one submission).

Conditions:
Hereditary cancer-predisposing syndrome. Also called: Neoplastic Syndromes, Hereditary; Tumor predisposition; Hereditary Cancer Syndrome; Hereditary neoplastic syndrome. Identifiers: Orphanet 140162, MedGen C0027672, MeSH D009386, MONDO:0015356.

Submission:

Ambry Genetics
Classification: Pathogenic for Hereditary cancer-predisposing syndrome. Last evaluated: 2026-03-31. Review status: criteria provided, single submitter. Criteria: Ambry Variant Classification Scheme 2023. Collection method: clinical testing. Allele origin: germline.
Comment: The p.E1090* pathogenic mutation (also known as c.3268G>T), located in coding exon 5 of the MSH6 gene, results from a G to T substitution at nucleotide position 3268. This changes the amino acid from a glutamic acid to a stop codon within coding exon 5. This variant is considered to be rare based on population cohorts in the Genome Aggregation Database (gnomAD). This alteration is expected to result in loss of function by premature protein truncation or nonsense-mediated mRNA decay. As such, this alteration is interpreted as a disease-causing mutation.

NM_000179.3(MSH6):c.3268G>T (p.Glu1090Ter)

Gene: MSH6 (mutS homolog 6; plus strand). Cytogenetic location: 2p16.3.
Variant type: single nucleotide variant.
Coding change: c.3268G>T on transcript NM_000179.3 (MANE Select); coding-DNA position 3268, G replaced by T.
Protein change: p.Glu1090Ter; replaces glutamic acid 1090 with a stop codon.
Molecular consequence: nonsense. On other transcripts: non-coding transcript variant (5), intron variant (1).
Genome position (GRCh38, 1-based): chr2:47,803,515, G>T. VCF-style: chr2-47803515-G-T. GRCh37 (hg19) VCF-style: chr2-48030654-G-T.
Other names: c.2878G>T, p.Glu960Ter (NM_001281492.2); c.2362G>T, p.Glu788Ter (NM_001281493.2, NM_001281494.2, NM_001406812.1 and 6 more transcripts); c.3364G>T, p.Glu1122Ter (NM_001406795.1, NM_001406802.1); c.3268G>T, p.Glu1090Ter (NM_001406796.1, NM_001406800.1, NM_001406808.1 and 1 more transcripts); c.2971G>T, p.Glu991Ter (NM_001406797.1, NM_001406818.1, NM_001406819.1 and 10 more transcripts); c.2743G>T, p.Glu915Ter (NM_001406799.1, NM_001406806.1, NM_001406807.1); c.3274G>T, p.Glu1092Ter (NM_001406813.1); c.1702G>T, p.Glu568Ter (NM_001406817.1); and 7 more; short protein forms E1034*, E1064*, E1090*, E1092*, E1122*, E17*, E39*, E405*.
Identifiers: ClinVar variation 4860388 (VCV004860388.1).